The following is an entry in ClinVar:

ClinVar aggregate classification (germline): Uncertain significance (1 of 4 stars; one submission).

gnomAD v4.1: 3 of 1,608,582 alleles (0.00019%); highest among the groups gnomAD compares: Non-Finnish European, 0.00026%; no homozygotes.

Submission:

Labcorp Genetics (formerly Invitae), Labcorp
Classification: Uncertain significance. Last evaluated: 2025-03-17. Review status: criteria provided, single submitter. Criteria: Invitae Variant Classification Sherloc (09022015). Collection method: clinical testing. Allele origin: germline.
Comment: This sequence change replaces methionine, which is neutral and non-polar, with lysine, which is basic and polar, at codon 902 of the ACTN1 protein (p.Met902Lys). This variant is present in population databases (rs752368324, gnomAD 0.0009%). This variant has not been reported in the literature in individuals affected with ACTN1-related conditions. Invitae Evidence Modeling of protein sequence and biophysical properties (such as structural, functional, and spatial information, amino acid conservation, physicochemical variation, residue mobility, and thermodynamic stability) indicates that this missense variant is not expected to disrupt ACTN1 protein function with a negative predictive value of 80%. In summary, the available evidence is currently insufficient to determine the role of this variant in disease. Therefore, it has been classified as a Variant of Uncertain Significance.

NM_001130004.2(ACTN1):c.2705T>A (p.Met902Lys)

Gene: ACTN1 (actinin alpha 1; minus strand). Cytogenetic location: 14q24.1.
Variant type: single nucleotide variant.
Coding change: c.2705T>A on transcript NM_001130004.2 (MANE Select); coding-DNA position 2705, T replaced by A.
Protein change: p.Met902Lys; replaces methionine 902 with lysine.
Molecular consequence: missense variant.
Genome position (GRCh38, 1-based): chr14:68,874,899, A>T on the plus strand (T>A on the coding strand, the complement: ACTN1 is on the minus strand). VCF-style: chr14-68874899-A-T. GRCh37 (hg19) VCF-style: chr14-69341616-A-T.
Other names: c.2639T>A, p.Met880Lys (NM_001102.4); c.2624T>A, p.Met875Lys (NM_001130005.2); c.2648T>A, p.Met883Lys (NM_001411035.1); c.2444T>A, p.Met815Lys (NM_001411036.1, NM_001424026.1); c.2768T>A, p.Met923Lys (NM_001424012.1); c.2765T>A, p.Met922Lys (NM_001424013.1); c.2753T>A, p.Met918Lys (NM_001424014.1); c.2726T>A, p.Met909Lys (NM_001424015.1); and 14 more; short protein forms M792K, M810K, M819K, M841K, M859K, M888K, M909K, M605K.
Identifiers: ClinVar variation 3653816 (VCV003653816.2).
Genomic context (GRCh38, chr14:68,874,899, plus strand): 5'-GGGCGGCCGGGCGGGGTGGATTAGAGGTCACTCTCGCCGTACAGCGCCGTGGAGAAGGAC[A>T]TGTAGTCCAGAGCACCTGGCACGGAGTCGGGGCCGGTGTAGGGGGCCATCCGCGCGATGC-3'
Protein context (NP_001123476.1, residues 892-912): PDSVPGALDY[Met902Lys]SFSTALYGES